The following is an entry in ClinVar:

NM_000179.3(MSH6):c.3556+2T>C

Gene: MSH6 (mutS homolog 6; plus strand). Cytogenetic location: 2p16.3.
Variant type: single nucleotide variant.
Coding change: c.3556+2T>C on transcript NM_000179.3 (MANE Select); the canonical splice donor site of the intron after coding-DNA position 3556, T replaced by C.
Molecular consequence: splice donor variant.
Genome position (GRCh38, 1-based): chr2:47,805,029, T>C. VCF-style: chr2-47805029-T-C. GRCh37 (hg19) VCF-style: chr2-48032168-T-C.
Other names: c.3556+2T>C (NM_001406809.1, NM_001406796.1, NM_001406808.1 and 1 more transcripts); c.2650+2T>C (NM_001406811.1, NM_001406814.1, NM_001281493.2 and 6 more transcripts); c.3259+2T>C (NM_001406805.1, NM_001406797.1, NM_001406801.1 and 10 more transcripts); c.3652+2T>C (NM_001406795.1, NM_001406802.1); c.3562+2T>C (NM_001406813.1); c.3031+2T>C (NM_001406807.1, NM_001406799.1, NM_001406806.1); c.3382+2T>C (NM_001406798.1); c.2692+2T>C (NM_001406803.1); and 7 more.
Identifiers: ClinVar variation 855069 (VCV000855069.10), dbSNP rs1669882321, ClinGen allele CA346760283.

ClinVar aggregate classification (germline): Pathogenic/Likely pathogenic. Review status: criteria provided, multiple submitters, no conflicts (2 of 4 stars). 2 submissions from 2 submitters: Pathogenic (1); Likely pathogenic (1). Last evaluated 2023-03-24.

Conditions:
Hereditary cancer-predisposing syndrome. Also called: Neoplastic Syndromes, Hereditary; Hereditary Cancer Syndrome; Tumor predisposition; Hereditary neoplastic syndrome. Identifiers: Orphanet 140162, MedGen C0027672, MeSH D009386, MONDO:0015356.
Hereditary nonpolyposis colorectal neoplasms. Identifiers: MedGen C0009405, MeSH D003123.

Submissions (2):

Labcorp Genetics (formerly Invitae), Labcorp
Classification: Pathogenic for Hereditary nonpolyposis colorectal neoplasms. Last evaluated: 2023-03-24. Review status: criteria provided, single submitter. Criteria: Invitae Variant Classification Sherloc (09022015). Collection method: clinical testing. Allele origin: germline.
Comment: ClinVar contains an entry for this variant (Variation ID: 855069). This sequence change affects a donor splice site in intron 6 of the MSH6 gene. RNA analysis indicates that disruption of this splice site induces altered splicing and may result in an absent or disrupted protein product. This variant is not present in population databases (gnomAD no frequency). Disruption of this splice site has been observed in individual(s) with clinical features of Lynch syndrome (PMID: 26436112). Studies have shown that disruption of this splice site results in skipping of exon 6 and introduces a premature termination codon (PMID: 26436112; Invitae). The resulting mRNA is expected to undergo nonsense-mediated decay. For these reasons, this variant has been classified as Pathogenic.

Ambry Genetics
Classification: Likely pathogenic for Hereditary cancer-predisposing syndrome. Last evaluated: 2017-08-29. Review status: criteria provided, single submitter. Criteria: Ambry Variant Classification Scheme 2023. Collection method: clinical testing. Allele origin: germline.
Comment: The c.3556+2T>C intronic variant results from a T to C substitution two nucleotides after coding exon 6 in the MSH6 gene. This nucleotide position is highly conserved in available vertebrate species. Using two different splice site prediction tools, this alteration is predicted by BDGP to abolish the native splice donor site, but is predicted to weaken (but not abolish) the efficiency of the native splice donor site by ESEfinder; however, direct evidence is unavailable. Alterations that disrupt the canonical splice site are expected to cause aberrant splicing, resulting in an abnormal protein or a transcript that is subject to nonsense-mediated mRNA decay. As such, this alteration is classified as likely pathogenic.

Literature cited by the submitters: PubMed 26436112 (cited by Labcorp Genetics (formerly Invitae), Labcorp).